The following is an entry in ClinVar:

NM_032802.4(SPPL2A):c.1328-10C>A

Gene: SPPL2A (signal peptide peptidase like 2A; minus strand). Cytogenetic location: 15q21.2.
Variant type: single nucleotide variant.
Coding change: c.1328-10C>A on transcript NM_032802.4 (MANE Select); 10 bases into the intron before coding-DNA position 1328, C replaced by A.
Molecular consequence: intron variant.
Genome position (GRCh38, 1-based): chr15:50,720,110, G>T on the plus strand (C>A on the coding strand, the complement: SPPL2A is on the minus strand). VCF-style: chr15-50720110-G-T. GRCh37 (hg19) VCF-style: chr15-51012307-G-T.
Identifiers: ClinVar variation 2717959 (VCV002717959.3), dbSNP rs2141024989, ClinGen allele CA2628437689.

ClinVar aggregate classification (germline): Uncertain significance (1 of 4 stars; one submission).

gnomAD v4.1: 2 of 1,600,912 alleles (0.00012%); highest among the groups gnomAD compares: South Asian, 0.0011%; no homozygotes.

Submission:

Labcorp Genetics (formerly Invitae), Labcorp
Classification: Uncertain significance. Last evaluated: 2023-06-16. Review status: criteria provided, single submitter. Criteria: Invitae Variant Classification Sherloc (09022015). Collection method: clinical testing. Allele origin: germline.
Comment: In summary, the available evidence is currently insufficient to determine the role of this variant in disease. Therefore, it has been classified as a Variant of Uncertain Significance. This sequence change falls in intron 13 of the SPPL2A gene. It does not directly change the encoded amino acid sequence of the SPPL2A protein. This variant is not present in population databases (gnomAD no frequency). This variant has not been reported in the literature in individuals affected with SPPL2A-related conditions. Algorithms developed to predict the effect of sequence changes on RNA splicing suggest that this variant may disrupt the consensus splice site.